The following is an entry in ClinVar:

ClinVar aggregate classification (germline): Benign (1 of 4 stars; one submission).

Conditions:
Multiple sulfatase deficiency (MSD). Also called: Mucosulfatidosis; Multiple Sulfatase Deficiency Disease; Sulfatidosis, Juvenile, Austin Type. Identifiers: Orphanet 585, MedGen C0268263, MONDO:0010088, OMIM 272200.

Allele frequency attached by ClinVar (database versions not stated): gnomAD exomes 0.00099; gnomAD 0.02014 and 0.02173; 1000 Genomes Project 0.02037; 1000 Genomes Project 30x 0.02108; TOPMed 0.02291.
gnomAD v4.1: 3,054 of 167,194 alleles (1.8%); highest among the groups gnomAD compares: African/African-American, 6.9%; 105 homozygotes.

Submission:

Illumina Laboratory Services, Illumina
Classification: Benign for Multiple sulfatase deficiency. Last evaluated: 2018-01-13. Review status: criteria provided, single submitter. Criteria: ICSL Variant Classification Criteria 13 December 2019. Collection method: clinical testing. Allele origin: germline.
Comment: This variant was observed in the ICSL laboratory as part of a predisposition screen in an ostensibly healthy population. It had not been previously curated by ICSL or reported in the Human Gene Mutation Database (HGMD: prior to June 1st, 2018), and was therefore a candidate for classification through an automated scoring system. Utilizing variant allele frequency, disease prevalence and penetrance estimates, and inheritance mode, an automated score was calculated to assess if this variant is too frequent to cause the disease. Based on the score and internal cut-off values, a variant classified as benign is not then subjected to further curation. The score for this variant resulted in a classification of benign for this disease.

NM_182760.4(SUMF1):c.*518T>C

Gene: SUMF1 (sulfatase modifying factor 1; minus strand). Cytogenetic location: 3p26.1.
Variant type: single nucleotide variant.
Coding change: c.*518T>C on transcript NM_182760.4 (MANE Select); 518 bases downstream of the stop codon, T replaced by C.
Molecular consequence: 3 prime UTR variant.
Genome position (GRCh38, 1-based): chr3:4,361,626, A>G on the plus strand (T>C on the coding strand, the complement: SUMF1 is on the minus strand). VCF-style: chr3-4361626-A-G. GRCh37 (hg19) VCF-style: chr3-4403310-A-G.
Other names: c.*518T>C (NM_001164674.2, NM_001164675.2).
Identifiers: ClinVar variation 345301 (VCV000345301.5), dbSNP rs17040504, ClinGen allele CA10618484.
Genomic context (GRCh38, chr3:4,361,626, plus strand): 5'-GTCACCACACCCCTCTTCCGAAAATAATACATAAGAGAACTCTTACTTTACATGATTAGT[A>G]TCACTCAAGGTTCACACATGGAAAAAATAGCTAAAAAATAATCTATAATAAATTCTCACT-3'